The following is an entry in ClinVar:

ClinVar aggregate classification (germline): Conflicting classifications of pathogenicity. Review status: criteria provided, conflicting classifications (1 of 4 stars). 3 submissions from 3 submitters: Uncertain significance (2); Likely benign (1). Last evaluated 2026-07-01.

Conditions:
Postaxial polydactyly-anterior pituitary anomalies-facial dysmorphism syndrome. Also called: Culler-Jones syndrome. Identifiers: Orphanet 420584, MedGen C4014479, MONDO:0014369, OMIM 615849.
Holoprosencephaly 9 (HPE9). Also called: HOLOPROSENCEPHALY WITH MICROPHTHALMIA AND FIRST BRANCHIAL ARCH ANOMALIES; PITUITARY ANOMALIES WITH HOLOPROSENCEPHALY-LIKE FEATURES. Identifiers: Orphanet 2162, MedGen C1835819, MONDO:0012563, OMIM 610829.

Allele frequency attached by ClinVar (database versions not stated): gnomAD exomes below 0.00001; ExAC 0.00001; TOPMed 0.00001.
gnomAD v4.1: 1 of 1,613,826 alleles (0.000062%); highest among the groups gnomAD compares: Admixed American, 0.0017%; no homozygotes.

Submissions (3):

CeGaT Center for Human Genetics Tuebingen
Classification: Likely benign. Last evaluated: 2026-07-01. Review status: criteria provided, single submitter. Criteria: CeGaT Center For Human Genetics Tuebingen Variant Classification Criteria Version 2. Collection method: clinical testing. Allele origin: germline. Affected: yes. Observed: 1 variant allele.
Comment: GLI2: BP4

Labcorp Genetics (formerly Invitae), Labcorp
Classification: Uncertain significance for Postaxial polydactyly-anterior pituitary anomalies-facial dysmorphism syndrome; Holoprosencephaly 9. Last evaluated: 2025-08-06. Review status: criteria provided, single submitter. Criteria: Invitae Variant Classification Sherloc (09022015). Collection method: clinical testing. Allele origin: germline.
Comment: This sequence change replaces isoleucine, which is neutral and non-polar, with asparagine, which is neutral and polar, at codon 19 of the GLI2 protein (p.Ile19Asn). This variant is present in population databases (rs750880487, gnomAD 0.003%). This variant has not been reported in the literature in individuals affected with GLI2-related conditions. ClinVar contains an entry for this variant (Variation ID: 1184351). An algorithm developed to predict the effect of missense changes on protein structure and function (PolyPhen-2) suggests that this variant is likely to be tolerated. In summary, the available evidence is currently insufficient to determine the role of this variant in disease. Therefore, it has been classified as a Variant of Uncertain Significance.

New York Genome Center
Classification: Uncertain significance for Postaxial polydactyly-anterior pituitary anomalies-facial dysmorphism syndrome. Last evaluated: 2020-07-10. Review status: criteria provided, single submitter. Criteria: NYGC Assertion Criteria 2020. Collection method: clinical testing. Allele origin: inherited. Observed: 1 heterozygote. Study: CSER-NYCKidSeq.
Comment: The inherited p.Ile19Asn variant identified in the GLI2 gene has not been reported in affected individuals in the literature. The variant is absent from gnomAD(v3) database indicating it is a rare allele in the general population. The variant affects a residue which is evolutionarily not well-conserved. In silico tools provide conflicting predictions about potential pathogenicity of this variant. Based on the available evidence, the inherited p.Ile19Asn variant in the GLI2 gene is assessed as a variant of uncertain significance.

NM_001374353.1(GLI2):c.56T>A (p.Ile19Asn)

Gene: GLI2 (GLI family zinc finger 2; plus strand). Cytogenetic location: 2q14.2.
Variant type: single nucleotide variant.
Coding change: c.56T>A on transcript NM_001374353.1 (MANE Select); coding-DNA position 56, T replaced by A.
Protein change: p.Ile19Asn; replaces isoleucine 19 with asparagine.
Molecular consequence: missense variant. On other transcripts: 5 prime UTR variant (1).
Genome position (GRCh38, 1-based): chr2:120,797,376, T>A. VCF-style: chr2-120797376-T-A. GRCh37 (hg19) VCF-style: chr2-121554952-T-A.
Other names: c.56T>A, p.Ile19Asn (NM_001371271.1, NM_005270.5); c.-214T>A (NM_001374354.1); short protein forms I19N.
Identifiers: ClinVar variation 1184351 (VCV001184351.4), dbSNP rs750880487, ClinGen allele CA1851384.